The following is an entry in ClinVar:

NM_004360.5(CDH1):c.927T>G (p.Pro309=)

Gene: CDH1 (cadherin 1; plus strand). Cytogenetic location: 16q22.1.
Variant type: single nucleotide variant.
Coding change: c.927T>G on transcript NM_004360.5 (MANE Select); coding-DNA position 927, T replaced by G.
Protein change: p.Pro309=; no amino-acid change (proline 309 retained).
Molecular consequence: synonymous variant. On other transcripts: 5 prime UTR variant (2).
Genome position (GRCh38, 1-based): chr16:68,811,778, T>G. VCF-style: chr16-68811778-T-G. GRCh37 (hg19) VCF-style: chr16-68845681-T-G.
Other names: c.927T>G, p.Pro309= (NM_001317184.2); c.-689T>G (NM_001317185.2); c.-893T>G (NM_001317186.2).
Identifiers: ClinVar variation 751244 (VCV000751244.11), dbSNP rs1597894149, ClinGen allele CA496152904.

ClinVar aggregate classification (germline): Benign/Likely benign. Review status: criteria provided, multiple submitters, no conflicts (2 of 4 stars). 3 submissions from 3 submitters: Benign (1); Likely benign (2). Last evaluated 2025-12-20.

Conditions:
Hereditary cancer-predisposing syndrome. Also called: Tumor predisposition; Hereditary Cancer Syndrome; Neoplastic Syndromes, Hereditary; Hereditary neoplastic syndrome. Identifiers: Orphanet 140162, MedGen C0027672, MeSH D009386, MONDO:0015356.
Hereditary diffuse gastric adenocarcinoma (HDGC). Also called: DIFFUSE GASTRIC AND LOBULAR BREAST CANCER SYNDROME. Identifiers: Orphanet 26106, MedGen C1708349, MONDO:0007648, OMIM 137215.

Submissions (3):

Labcorp Genetics (formerly Invitae), Labcorp
Classification: Likely benign for Hereditary diffuse gastric adenocarcinoma. Last evaluated: 2025-12-20. Review status: criteria provided, single submitter. Criteria: Invitae Variant Classification Sherloc (09022015). Collection method: clinical testing. Allele origin: germline.

Myriad Genetics, Inc.
Classification: Benign for Hereditary diffuse gastric adenocarcinoma. Last evaluated: 2024-09-17. Review status: criteria provided, single submitter. Criteria: Myriad Autosomal Dominant, Autosomal Recessive and X-Linked Classification Criteria (2023). Collection method: clinical testing. Allele origin: unknown.
Comment: This variant is considered benign. This variant is a silent/synonymous amino acid change and it is not expected to impact splicing.

Ambry Genetics
Classification: Likely benign for Hereditary cancer-predisposing syndrome. Last evaluated: 2021-12-30. Review status: criteria provided, single submitter. Criteria: Ambry Variant Classification Scheme 2023. Collection method: clinical testing. Allele origin: germline.